The following is an entry in ClinVar:

NM_014297.5(ETHE1):c.586G>C (p.Asp196His)

Gene: ETHE1 (ETHE1 persulfide dioxygenase; minus strand). Cytogenetic location: 19q13.31.
Variant type: single nucleotide variant.
Coding change: c.586G>C on transcript NM_014297.5 (MANE Select); coding-DNA position 586, G replaced by C.
Protein change: p.Asp196His; replaces aspartic acid 196 with histidine.
Molecular consequence: missense variant.
Genome position (GRCh38, 1-based): chr19:43,508,784, C>G on the plus strand (G>C on the coding strand, the complement: ETHE1 is on the minus strand). VCF-style: chr19-43508784-C-G. GRCh37 (hg19) VCF-style: chr19-44012936-C-G.
Other names: c.553G>C, p.Asp185His (NM_001320867.2); c.217G>C, p.Asp73His (NM_001320868.2); c.292G>C, p.Asp98His (NM_001320869.2); c.586G>C (NM_014297.4); short protein forms D185H, D196H, D73H, D98H.
Identifiers: ClinVar variation 2675146 (VCV002675146.5), dbSNP rs763799125, ClinGen allele CA406175112.

ClinVar aggregate classification (germline): Likely pathogenic. Review status: criteria provided, multiple submitters, no conflicts (2 of 4 stars). 3 submissions from 3 submitters: Likely pathogenic (3). Last evaluated 2025-11-10.

Conditions:
Ethylmalonic encephalopathy (EE). Also called: EPEMA syndrome; Encephalopathy, petechiae, and ethylmalonic aciduria; Syndrome of encephalopathy, petechiae, and ethylmalonic aciduria. Identifiers: Orphanet 51188, MedGen C1865349, MONDO:0011229, OMIM 602473. Disease mechanism: loss of function.

Allele frequency attached by ClinVar (database versions not stated): TOPMed 0.00001.

Submissions (3):

Natera, Inc.
Classification: Likely pathogenic for Ethylmalonic encephalopathy. Last evaluated: 2025-11-10. Review status: criteria provided, single submitter. Criteria: Natera Variant Classification Schema (03/2026). Collection method: clinical testing. Allele origin: germline.
Comment: The c.586G>C variant in ETHE1 is a missense variant predicted to cause substitution of aspartic acid to histidine at amino acid 196. This variant is rare in the general population with a frequency below the threshold expected for the associated phenotype(s). This variant has been observed in one or more individuals affected with the associated recessive disease, as either homozygous or compound heterozygous with a second variant (PMID: 32362910). A different variant at the same position has been determined to be Pathogenic or Likely Pathogenic. Computational prediction algorithms indicate this variant is likely to affect gene or protein function. Given the available evidence, this variant is classified as Likely Pathogenic.

Baylor Genetics
Classification: Likely pathogenic for Ethylmalonic encephalopathy. Last evaluated: 2023-08-30. Review status: criteria provided, single submitter. Criteria: ACMG Guidelines, 2015. Collection method: clinical testing. Allele origin: unknown.

Labcorp Genetics (formerly Invitae), Labcorp
Classification: Likely pathogenic for Ethylmalonic encephalopathy. Last evaluated: 2023-06-15. Review status: criteria provided, single submitter. Criteria: Invitae Variant Classification Sherloc (09022015). Collection method: clinical testing. Allele origin: germline.
Comment: This sequence change replaces aspartic acid, which is acidic and polar, with histidine, which is basic and polar, at codon 196 of the ETHE1 protein (p.Asp196His). This variant is not present in population databases (gnomAD no frequency). In summary, the currently available evidence indicates that the variant is pathogenic, but additional data are needed to prove that conclusively. Therefore, this variant has been classified as Likely Pathogenic. This variant disrupts the p.Asp196 amino acid residue in ETHE1. Other variant(s) that disrupt this residue have been observed in individuals with ETHE1-related conditions (PMID: 18593870, 32362910), which suggests that this may be a clinically significant amino acid residue. Advanced modeling of protein sequence and biophysical properties (such as structural, functional, and spatial information, amino acid conservation, physicochemical variation, residue mobility, and thermodynamic stability) performed at Invitae indicates that this missense variant is expected to disrupt ETHE1 protein function. This missense change has been observed in individual(s) with ethylmalonic encephalopathy (PMID: 32362910). In at least one individual the data is consistent with being in trans (on the opposite chromosome) from a pathogenic variant.

Literature cited by the submitters: PubMed 32362910 (cited by Natera, Inc. and Labcorp Genetics (formerly Invitae), Labcorp); PubMed 18593870 (cited by Labcorp Genetics (formerly Invitae), Labcorp).